The following is an entry in ClinVar:

ClinVar aggregate classification (germline): Uncertain significance (1 of 4 stars; one submission).

Submission:

Labcorp Genetics (formerly Invitae), Labcorp
Classification: Uncertain significance. Last evaluated: 2022-06-14. Review status: criteria provided, single submitter. Criteria: Invitae Variant Classification Sherloc (09022015). Collection method: clinical testing. Allele origin: germline.
Comment: This sequence change replaces histidine, which is basic and polar, with arginine, which is basic and polar, at codon 340 of the PPP2R1A protein (p.His340Arg). In summary, the available evidence is currently insufficient to determine the role of this variant in disease. Therefore, it has been classified as a Variant of Uncertain Significance. Algorithms developed to predict the effect of missense changes on protein structure and function (SIFT, PolyPhen-2, Align-GVGD) all suggest that this variant is likely to be tolerated. This variant has not been reported in the literature in individuals affected with PPP2R1A-related conditions. This variant is not present in population databases (gnomAD no frequency).

NM_014225.6(PPP2R1A):c.1019A>G (p.His340Arg)

Gene: PPP2R1A (protein phosphatase 2 scaffold subunit Aalpha; plus strand). Cytogenetic location: 19q13.41.
Variant type: single nucleotide variant.
Coding change: c.1019A>G on transcript NM_014225.6 (MANE Select); coding-DNA position 1019, A replaced by G.
Protein change: p.His340Arg; replaces histidine 340 with arginine.
Molecular consequence: missense variant. On other transcripts: non-coding transcript variant (1).
Genome position (GRCh38, 1-based): chr19:52,216,554, A>G. VCF-style: chr19-52216554-A-G. GRCh37 (hg19) VCF-style: chr19-52719807-A-G.
Other names: c.482A>G, p.His161Arg (NM_001363656.2); short protein forms H161R, H340R.
Identifiers: ClinVar variation 2006104 (VCV002006104.4), dbSNP rs1978587530, ClinGen allele CA407187301.
Genomic context (GRCh38, chr19:52,216,554, plus strand): 5'-CACTGACCCCTGTGCCTGCCTCTTCTCTCTCCCAGGAGCTGGTGTCCGATGCCAACCAAC[A>G]TGTCAAGTCTGCCCTGGCCTCAGTCATCATGGGTCTCTCTCCCATCTTGGGCAAAGACAA-3'
Protein context (NP_055040.2, residues 330-350): IKELVSDANQ[His340Arg]VKSALASVIM